The following is an entry in ClinVar:

ClinVar aggregate classification (germline): Uncertain significance. Review status: criteria provided, multiple submitters, no conflicts (2 of 4 stars). 2 submissions from 2 submitters: Uncertain significance (2). Last evaluated 2023-03-31.

Allele frequency attached by ClinVar (database versions not stated): TOPMed below 0.00001; gnomAD exomes 0.00001.
gnomAD v4.1: 8 of 1,613,760 alleles (0.0005%); highest among the groups gnomAD compares: Non-Finnish European, 0.00068%; no homozygotes.

Submissions (2):

Labcorp Genetics (formerly Invitae), Labcorp
Classification: Uncertain significance. Last evaluated: 2023-03-31. Review status: criteria provided, single submitter. Criteria: Invitae Variant Classification Sherloc (09022015). Collection method: clinical testing. Allele origin: germline.
Comment: In summary, the available evidence is currently insufficient to determine the role of this variant in disease. Therefore, it has been classified as a Variant of Uncertain Significance. Advanced modeling of protein sequence and biophysical properties (such as structural, functional, and spatial information, amino acid conservation, physicochemical variation, residue mobility, and thermodynamic stability) has been performed at Invitae for this missense variant, however the output from this modeling did not meet the statistical confidence thresholds required to predict the impact of this variant on KLB protein function. ClinVar contains an entry for this variant (Variation ID: 2331119). This variant has not been reported in the literature in individuals affected with KLB-related conditions. This variant is not present in population databases (gnomAD no frequency). This sequence change replaces glycine, which is neutral and non-polar, with aspartic acid, which is acidic and polar, at codon 634 of the KLB protein (p.Gly634Asp).

Ambry Genetics
Classification: Uncertain significance. Last evaluated: 2022-12-01. Review status: criteria provided, single submitter. Criteria: Ambry Variant Classification Scheme 2023. Collection method: clinical testing. Allele origin: germline.

NM_175737.4(KLB):c.1901G>A (p.Gly634Asp)

Gene: KLB (klotho beta; plus strand). Cytogenetic location: 4p14.
Variant type: single nucleotide variant.
Coding change: c.1901G>A on transcript NM_175737.4 (MANE Select); coding-DNA position 1901, G replaced by A.
Protein change: p.Gly634Asp; replaces glycine 634 with aspartic acid.
Molecular consequence: missense variant.
Genome position (GRCh38, 1-based): chr4:39,446,627, G>A. VCF-style: chr4-39446627-G-A. GRCh37 (hg19) VCF-style: chr4-39448247-G-A.
Other names: short protein forms G634D.
Identifiers: ClinVar variation 2331119 (VCV002331119.5), dbSNP rs1743753070, ClinGen allele CA356656660.
Genomic context (GRCh38, chr4:39,446,627, plus strand): 5'-CGGTGAACCGACAGGCCCTGAGGTACTACAGGTGCGTGGTCAGTGAGGGGCTGAAGCTTG[G>A]CATCTCCGCGATGGTCACCCTGTATTATCCGACCCACGCCCACCTAGGCCTCCCCGAGCC-3'
Protein context (NP_783864.1, residues 624-644): RCVVSEGLKL[Gly634Asp]ISAMVTLYYP